The following is an entry in ClinVar:

NM_005422.4(TECTA):c.1572C>T (p.Cys524=)

Genes: TBCEL-TECTA (TBCEL-TECTA readthrough; plus strand), TECTA (tectorin alpha; plus strand). Cytogenetic location: 11q23.3.
Variant type: single nucleotide variant.
Coding change: c.1572C>T on transcript NM_005422.4 (MANE Select); coding-DNA position 1572, C replaced by T.
Protein change: p.Cys524=; no amino-acid change (cysteine 524 retained).
Molecular consequence: synonymous variant.
Genome position (GRCh38, 1-based): chr11:121,125,670, C>T. VCF-style: chr11-121125670-C-T. GRCh37 (hg19) VCF-style: chr11-120996379-C-T.
Other names: c.2529C>T, p.Cys843= (NM_001378761.1).
Identifiers: ClinVar variation 517577 (VCV000517577.9), dbSNP rs767426110, ClinGen allele CA6326780.

ClinVar aggregate classification (germline): Conflicting classifications of pathogenicity. Review status: criteria provided, conflicting classifications (1 of 4 stars). 2 submissions from 2 submitters: Uncertain significance (1); Likely benign (1). Last evaluated 2018-02-01.

Allele frequency attached by ClinVar (database versions not stated): gnomAD 0.00001; gnomAD exomes 0.00001 and 0.00002; TOPMed 0.00001; ExAC 0.00002.
gnomAD v4.1: 19 of 1,610,288 alleles (0.0012%); highest among the groups gnomAD compares: East Asian, 0.0045%; no homozygotes.

Submissions (2):

Eurofins Ntd Llc (ga)
Classification: Uncertain significance. Last evaluated: 2018-02-01. Review status: criteria provided, single submitter. Criteria: EGL Classification Definitions 2015. Collection method: clinical testing. Allele origin: germline. Observed: 1 variant allele, 1 heterozygote.

Laboratory for Molecular Medicine, Mass General Brigham Personalized Medicine
Classification: Likely benign. Last evaluated: 2017-12-21. Review status: criteria provided, single submitter. Criteria: LMM Criteria. Collection method: clinical testing. Allele origin: germline. Observed: 1 variant allele.
Comment: p.Cys524Cys in exon 7 of TECTA: This variant is not expected to have clinical si gnificance because it does not alter an amino acid residue and is not located wi thin the splice consensus sequence. It has been identified in 2/33540 Latino chr omosomes, 1/17246 East Asian chromosomes, and 1/110978 European chromosomes by t he Genome Aggregation Database (gnomAD; dbSNP rs767426110). ACMG/AMP criteria applied: BP7